The following is an entry in ClinVar:

NM_006892.4(DNMT3B):c.457T>A (p.Ser153Thr)

Gene: DNMT3B (DNA methyltransferase 3 beta; plus strand). Cytogenetic location: 20q11.21.
Variant type: single nucleotide variant.
Coding change: c.457T>A on transcript NM_006892.4 (MANE Select); coding-DNA position 457, T replaced by A.
Protein change: p.Ser153Thr; replaces serine 153 with threonine.
Molecular consequence: missense variant.
Genome position (GRCh38, 1-based): chr20:32,787,254, T>A. VCF-style: chr20-32787254-T-A. GRCh37 (hg19) VCF-style: chr20-31375060-T-A.
Other names: c.331T>A, p.Ser111Thr (NM_001207055.2); c.229T>A, p.Ser77Thr (NM_001207056.2); c.457T>A, p.Ser153Thr (NM_175848.2, NM_175849.2); c.493T>A, p.Ser165Thr (NM_175850.3); short protein forms S153T, S111T, S165T, S77T.
Identifiers: ClinVar variation 1512683 (VCV001512683.8), dbSNP rs1230558112, ClinGen allele CA408586461.

ClinVar aggregate classification (germline): Uncertain significance (1 of 4 stars; one submission).

Conditions:
Centromeric instability of chromosomes 1,9 and 16 and immunodeficiency (ICF1). Also called: Immunodeficiency-centromeric instability-facial anomalies; IMMUNE DEFICIENCY, VARIABLE, WITH CENTROMERIC INSTABILITY OF CHROMOSOMES 1, 9, AND 16; IMMUNODEFICIENCY SYNDROME, VARIABLE; CENTROMERIC INSTABILITY, IMMUNODEFICIENCY SYNDROME. Identifiers: Orphanet 2268, MedGen C0398788, MONDO:0000133.

Allele frequency attached by ClinVar (database versions not stated): gnomAD exomes below 0.00001.
gnomAD v4.1: 1 of 1,614,230 alleles (0.000062%); highest among the groups gnomAD compares: South Asian, 0.0011%; no homozygotes.

Submission:

Labcorp Genetics (formerly Invitae), Labcorp
Classification: Uncertain significance for Centromeric instability of chromosomes 1,9 and 16 and immunodeficiency. Last evaluated: 2022-03-03. Review status: criteria provided, single submitter. Criteria: Invitae Variant Classification Sherloc (09022015). Collection method: clinical testing. Allele origin: germline.
Comment: This sequence change replaces serine, which is neutral and polar, with threonine, which is neutral and polar, at codon 153 of the DNMT3B protein (p.Ser153Thr). This variant is present in population databases (no rsID available, gnomAD 0.003%). This variant has not been reported in the literature in individuals affected with DNMT3B-related conditions. Algorithms developed to predict the effect of missense changes on protein structure and function (SIFT, PolyPhen-2, Align-GVGD) all suggest that this variant is likely to be tolerated. In summary, the available evidence is currently insufficient to determine the role of this variant in disease. Therefore, it has been classified as a Variant of Uncertain Significance.